The following is an entry in ClinVar:

ClinVar aggregate classification (germline): Uncertain significance. Review status: criteria provided, multiple submitters, no conflicts (2 of 4 stars). 2 submissions from 2 submitters: Uncertain significance (2). Last evaluated 2025-10-19.

Conditions:
Inborn genetic diseases. Identifiers: MedGen C0950123, MeSH D030342.

Allele frequency attached by ClinVar (database versions not stated): gnomAD exomes 0.00002; gnomAD 0.00015 and 0.00017; TOPMed 0.00033.
gnomAD v4.1: 49 of 1,613,744 alleles (0.003%); highest among the groups gnomAD compares: Admixed American, 0.055%; no homozygotes.

Submissions (2):

Labcorp Genetics (formerly Invitae), Labcorp
Classification: Uncertain significance. Last evaluated: 2025-10-19. Review status: criteria provided, single submitter. Criteria: Invitae Variant Classification Sherloc (09022015). Collection method: clinical testing. Allele origin: germline.
Comment: This sequence change replaces glutamic acid, which is acidic and polar, with aspartic acid, which is acidic and polar, at codon 397 of the ANXA11 protein (p.Glu397Asp). This variant is present in population databases (no rsID available, gnomAD 0.007%). This variant has not been reported in the literature in individuals affected with ANXA11-related conditions. ClinVar contains an entry for this variant (Variation ID: 1441333). An algorithm developed to predict the effect of missense changes on protein structure and function outputs the following: PolyPhen-2: "Probably Damaging". The aspartic acid amino acid residue is found in multiple mammalian species, which suggests that this missense change does not adversely affect protein function. In summary, the available evidence is currently insufficient to determine the role of this variant in disease. Therefore, it has been classified as a Variant of Uncertain Significance.

Ambry Genetics
Classification: Uncertain significance for Inborn genetic diseases. Last evaluated: 2021-08-19. Review status: criteria provided, single submitter. Criteria: Ambry Variant Classification Scheme 2023. Collection method: clinical testing. Allele origin: germline.

NM_145868.2(ANXA11):c.1191G>C (p.Glu397Asp)

Genes: ANXA11 (annexin A11; minus strand), LOC126860977 (CDK7 strongly-dependent group 2 enhancer GRCh37_chr10:81917938-81919137; plus strand). Cytogenetic location: 10q22.3.
Variant type: single nucleotide variant.
Coding change: c.1191G>C on transcript NM_145868.2 (MANE Select); coding-DNA position 1191, G replaced by C.
Protein change: p.Glu397Asp; replaces glutamic acid 397 with aspartic acid.
Molecular consequence: missense variant.
Genome position (GRCh38, 1-based): chr10:80,159,185, C>G on the plus strand (G>C on the coding strand, the complement: ANXA11 is on the minus strand). VCF-style: chr10-80159185-C-G. GRCh37 (hg19) VCF-style: chr10-81918941-C-G.
Other names: c.1191G>C (NM_001157.2); c.1191G>C, p.Glu397Asp (NM_001157.3, NM_001278407.2, NM_001278408.2 and 1 more transcripts); c.1092G>C, p.Glu364Asp (NM_001278409.2); short protein forms E364D, E397D.
Identifiers: ClinVar variation 1441333 (VCV001441333.9), dbSNP rs962957286, ClinGen allele CA210316970.
Genomic context (GRCh38, chr10:80,159,185, plus strand): 5'-GTCCCCGGACATCTCCCGGCAGATGCTCTTCTCAATGTCCCGGCCTGTCATTCTCTGGTA[C>G]TCATTGAAAACTATGGGGATGACAGAGGCTTATATTATGAACTGAAATGTGTCTCCCCAA-3'
Protein context (NP_665875.1, residues 387-407): SRAHLVAVFN[Glu397Asp]YQRMTGRDIE